The following is an entry in ClinVar:

ClinVar aggregate classification (germline): Uncertain significance. Review status: criteria provided, multiple submitters, no conflicts (2 of 4 stars). 5 submissions from 5 submitters: Uncertain significance (4). 1 of the submissions does not count toward it. Last evaluated 2026-03-23.

Conditions:
Inborn genetic diseases. Identifiers: MedGen C0950123, MeSH D030342.
VPS13B-related disorder. Also called: VPS13B-related condition.
Cohen syndrome (COH1). Also called: PEPPER SYNDROME; Cutis verticis gyrata, retinitis pigmentosa, and sensorineural deafness. Identifiers: Orphanet 193, MedGen C0265223, MONDO:0008999, OMIM 216550.

Allele frequency attached by ClinVar (database versions not stated): gnomAD exomes 0.00001 and 0.00004; ExAC 0.00003; gnomAD 0.00006 and 0.00007; TOPMed 0.00009; 1000 Genomes Project 30x 0.00016; 1000 Genomes Project 0.00020.
gnomAD v4.1: 21 of 1,614,022 alleles (0.0013%); highest among the groups gnomAD compares: African/African-American, 0.024%; no homozygotes.

Submissions (5):

PreventionGenetics, part of Exact Sciences
Classification: Uncertain significance for VPS13B-related condition. Last evaluated: 2026-03-23. Review status: criteria provided, single submitter. Criteria: ACMG Guidelines, 2015. Collection method: clinical testing. Allele origin: germline.
Comment: The VPS13B c.8102T>C variant is predicted to result in the amino acid substitution p.Ile2701Thr. To our knowledge, this variant has not been reported in the literature. This variant is reported in 0.040% of alleles in individuals of African descent in gnomAD. At this time, the clinical significance of this variant is uncertain due to the absence of conclusive functional and genetic evidence.

Ambry Genetics
Classification: Uncertain significance for Inborn genetic diseases. Last evaluated: 2024-12-10. Review status: criteria provided, single submitter. Criteria: Ambry Variant Classification Scheme 2023. Collection method: clinical testing. Allele origin: germline.

Labcorp Genetics (formerly Invitae), Labcorp
Classification: Uncertain significance for Cohen syndrome. Last evaluated: 2024-11-18. Review status: criteria provided, single submitter. Criteria: Invitae Variant Classification Sherloc (09022015). Collection method: clinical testing. Allele origin: germline.
Comment: This sequence change replaces isoleucine, which is neutral and non-polar, with threonine, which is neutral and polar, at codon 2726 of the VPS13B protein (p.Ile2726Thr). This variant is present in population databases (rs189689493, gnomAD 0.04%). This variant has not been reported in the literature in individuals affected with VPS13B-related conditions. ClinVar contains an entry for this variant (Variation ID: 966454). Invitae Evidence Modeling of protein sequence and biophysical properties (such as structural, functional, and spatial information, amino acid conservation, physicochemical variation, residue mobility, and thermodynamic stability) indicates that this missense variant is not expected to disrupt VPS13B protein function with a negative predictive value of 80%. In summary, the available evidence is currently insufficient to determine the role of this variant in disease. Therefore, it has been classified as a Variant of Uncertain Significance.

Blueprint Genetics
Classification: Uncertain significance. Last evaluated: 2024-08-15. Review status: criteria provided, single submitter. Criteria: ACMG Guidelines, 2015. Collection method: clinical testing. Allele origin: germline.

Natera, Inc.
Classification: Uncertain significance for Cohen syndrome. Last evaluated: 2020-03-30. Review status: no assertion criteria provided. Collection method: clinical testing. Allele origin: germline. Not counted in ClinVar's aggregate classification.

NM_152564.5(VPS13B):c.8102T>C (p.Ile2701Thr)

Gene: VPS13B (vacuolar protein sorting 13 homolog B; plus strand). Cytogenetic location: 8q22.2.
Variant type: single nucleotide variant.
Coding change: c.8102T>C on transcript NM_152564.5 (MANE Select); coding-DNA position 8102, T replaced by C.
Protein change: p.Ile2701Thr; replaces isoleucine 2701 with threonine.
Molecular consequence: missense variant.
Genome position (GRCh38, 1-based): chr8:99,817,544, T>C. VCF-style: chr8-99817544-T-C. GRCh37 (hg19) VCF-style: chr8-100829772-T-C.
Other names: c.8177T>C (NM_017890.3); c.8102T>C (NM_152564.4); c.8177T>C, p.Ile2726Thr (NM_017890.5); short protein forms I2726T, I2701T.
Identifiers: ClinVar variation 966454 (VCV000966454.12), dbSNP rs189689493, ClinGen allele CA4824391.
Genomic context (GRCh38, chr8:99,817,544, plus strand): 5'-TTTCCAGTTAATGAAGTCTGAATTGATGAAGCCTTATATACTTAACTGTCTTTTAGATTA[T>C]CATCTGTGGAAGACAGATCATCTGTAGTTACTTGTCTCAAAGCATAGAACTAAAAGTCGT-3'
Protein context (NP_689777.3, residues 2691-2711): QQLNGVQKQI[Ile2701Thr]ICGRQIICSY